The following is an entry in ClinVar:

NM_032447.5(FBN3):c.4886C>T (p.Thr1629Ile)

Gene: FBN3 (fibrillin 3; minus strand). Cytogenetic location: 19p13.2.
Variant type: single nucleotide variant.
Coding change: c.4886C>T on transcript NM_032447.5 (MANE Select); coding-DNA position 4886, C replaced by T.
Protein change: p.Thr1629Ile; replaces threonine 1629 with isoleucine.
Molecular consequence: missense variant.
Genome position (GRCh38, 1-based): chr19:8,103,615, G>A on the plus strand (C>T on the coding strand, the complement: FBN3 is on the minus strand). VCF-style: chr19-8103615-G-A. GRCh37 (hg19) VCF-style: chr19-8168499-G-A.
Other names: c.4886C>T, p.Thr1629Ile (NM_001321431.2); c.4886C>T (NM_032447.3); short protein forms T1629I.
Identifiers: ClinVar variation 1401306 (VCV001401306.7), dbSNP rs376299515, ClinGen allele CA9151878.

ClinVar aggregate classification (germline): Uncertain significance. Review status: criteria provided, multiple submitters, no conflicts (2 of 4 stars). 2 submissions from 2 submitters: Uncertain significance (2). Last evaluated 2025-12-03.

Allele frequency attached by ClinVar (database versions not stated): ESP Exome Variant Server 0.00015; ExAC 0.00017; gnomAD exomes 0.00020; gnomAD 0.00025 and 0.00026; TOPMed 0.00026.
gnomAD v4.1: 616 of 1,613,690 alleles (0.038%); highest among the groups gnomAD compares: Non-Finnish European, 0.047%; no homozygotes.

Submissions (2):

Labcorp Genetics (formerly Invitae), Labcorp
Classification: Uncertain significance. Last evaluated: 2025-12-03. Review status: criteria provided, single submitter. Criteria: Invitae Variant Classification Sherloc (09022015). Collection method: clinical testing. Allele origin: germline.
Comment: This sequence change replaces threonine, which is neutral and polar, with isoleucine, which is neutral and non-polar, at codon 1629 of the FBN3 protein (p.Thr1629Ile). This variant is present in population databases (rs376299515, gnomAD 0.03%). This variant has not been reported in the literature in individuals affected with FBN3-related conditions. ClinVar contains an entry for this variant (Variation ID: 1401306). Invitae Evidence Modeling of protein sequence and biophysical properties (such as structural, functional, and spatial information, amino acid conservation, physicochemical variation, residue mobility, and thermodynamic stability) indicates that this missense variant is not expected to disrupt FBN3 protein function with a negative predictive value of 80%. In summary, the available evidence is currently insufficient to determine the role of this variant in disease. Therefore, it has been classified as a Variant of Uncertain Significance.

Ambry Genetics
Classification: Uncertain significance. Last evaluated: 2023-12-27. Review status: criteria provided, single submitter. Criteria: Ambry Variant Classification Scheme 2023. Collection method: clinical testing. Allele origin: germline.